The following is an entry in ClinVar:

NM_001287491.2(TET3):c.3212A>C (p.Asp1071Ala)

Gene: TET3 (tet methylcytosine dioxygenase 3; plus strand). Cytogenetic location: 2p13.1.
Variant type: single nucleotide variant.
Coding change: c.3212A>C on transcript NM_001287491.2 (MANE Select); coding-DNA position 3212, A replaced by C.
Protein change: p.Asp1071Ala; replaces aspartic acid 1071 with alanine.
Molecular consequence: missense variant.
Genome position (GRCh38, 1-based): chr2:74,093,611, A>C. VCF-style: chr2-74093611-A-C. GRCh37 (hg19) VCF-style: chr2-74320738-A-C.
Other names: c.2933A>C, p.Asp978Ala (NM_001366022.1); short protein forms D1071A, D978A.
Identifiers: ClinVar variation 4755821 (VCV004755821.1).

ClinVar aggregate classification (germline): Uncertain significance (1 of 4 stars; one submission).

Submission:

GeneDx
Classification: Uncertain significance. Last evaluated: 2025-07-29. Review status: criteria provided, single submitter. Criteria: GeneDx Variant Classification Process June 2021. Collection method: clinical testing. Allele origin: germline. Affected: yes.
Comment: Not observed at significant frequency in large population cohorts (gnomAD); In silico analysis supports that this missense variant has a deleterious effect on protein structure/function; Has not been previously published as pathogenic or benign to our knowledge